The following is an entry in ClinVar:

ClinVar aggregate classification (germline): Uncertain significance (1 of 4 stars; one submission).

Conditions:
Familial thoracic aortic aneurysm and aortic dissection (TAAD). Also called: Thoracic aortic aneurysms and dissections. Identifiers: Orphanet 91387, MedGen C4707243, MONDO:0019625.

Submission:

Labcorp Genetics (formerly Invitae), Labcorp
Classification: Uncertain significance for Familial thoracic aortic aneurysm and aortic dissection. Last evaluated: 2023-06-20. Review status: criteria provided, single submitter. Criteria: Invitae Variant Classification Sherloc (09022015). Collection method: clinical testing. Allele origin: germline.
Comment: In summary, the available evidence is currently insufficient to determine the role of this variant in disease. Therefore, it has been classified as a Variant of Uncertain Significance. Advanced modeling of protein sequence and biophysical properties (such as structural, functional, and spatial information, amino acid conservation, physicochemical variation, residue mobility, and thermodynamic stability) performed at Invitae indicates that this missense variant is expected to disrupt TGFBR2 protein function. This variant has not been reported in the literature in individuals affected with TGFBR2-related conditions. This variant is not present in population databases (gnomAD no frequency). This sequence change replaces serine, which is neutral and polar, with tyrosine, which is neutral and polar, at codon 383 of the TGFBR2 protein (p.Ser383Tyr).

NM_003242.6(TGFBR2):c.1148C>A (p.Ser383Tyr)

Gene: TGFBR2 (transforming growth factor beta receptor 2; plus strand). Cytogenetic location: 3p24.1.
Variant type: single nucleotide variant.
Coding change: c.1148C>A on transcript NM_003242.6 (MANE Select); coding-DNA position 1148, C replaced by A.
Protein change: p.Ser383Tyr; replaces serine 383 with tyrosine.
Molecular consequence: missense variant. On other transcripts: intron variant (1).
Genome position (GRCh38, 1-based): chr3:30,672,331, C>A. VCF-style: chr3-30672331-C-A. GRCh37 (hg19) VCF-style: chr3-30713823-C-A.
Other names: c.1223C>A, p.Ser408Tyr (NM_001024847.3); c.1331C>A, p.Ser444Tyr (NM_001407126.1); c.1256C>A, p.Ser419Tyr (NM_001407127.1); c.1175C>A, p.Ser392Tyr (NM_001407128.1); c.1151C>A, p.Ser384Tyr (NM_001407129.1); c.1148C>A, p.Ser383Tyr (NM_001407130.1); c.1043C>A, p.Ser348Tyr (NM_001407132.1, NM_001407133.1, NM_001407134.1 and 2 more transcripts); c.863C>A, p.Ser288Tyr (NM_001407137.1); and 2 more; short protein forms S348Y, S383Y, S408Y, S263Y, S288Y, S384Y, S419Y, S392Y.
Identifiers: ClinVar variation 2719505 (VCV002719505.3), dbSNP rs2470563648, ClinGen allele CA351808642.